The following is an entry in ClinVar:

NM_052947.4(ALPK2):c.180C>A (p.Asn60Lys)

Gene: ALPK2 (alpha kinase 2; minus strand). Cytogenetic location: 18q21.32.
Variant type: single nucleotide variant.
Coding change: c.180C>A on transcript NM_052947.4 (MANE Select); coding-DNA position 180, C replaced by A.
Protein change: p.Asn60Lys; replaces asparagine 60 with lysine.
Molecular consequence: missense variant.
Genome position (GRCh38, 1-based): chr18:58,607,369, G>T on the plus strand (C>A on the coding strand, the complement: ALPK2 is on the minus strand). VCF-style: chr18-58607369-G-T. GRCh37 (hg19) VCF-style: chr18-56274601-G-T.
Other names: short protein forms N60K.
Identifiers: ClinVar variation 3530750 (VCV003530750.1).

ClinVar aggregate classification (germline): Uncertain significance (1 of 4 stars; one submission).

Submission:

Ambry Genetics
Classification: Uncertain significance. Last evaluated: 2024-07-13. Review status: criteria provided, single submitter. Criteria: Ambry Variant Classification Scheme 2023. Collection method: clinical testing. Allele origin: germline.
Comment: The p.N60K variant (also known as c.180C>A), located in coding exon 2 of the ALPK2 gene, results from a C to A substitution at nucleotide position 180. The asparagine at codon 60 is replaced by lysine, an amino acid with similar properties. This amino acid position is conserved. In addition, this alteration is predicted to be tolerated by in silico analysis. Based on the available evidence, the clinical significance of this variant remains unclear.